The following is an entry in ClinVar:

NM_000786.4(CYP51A1):c.468+1G>A

Gene: CYP51A1 (cytochrome P450 family 51 subfamily A member 1; minus strand). Cytogenetic location: 7q21.2.
Variant type: single nucleotide variant.
Coding change: c.468+1G>A on transcript NM_000786.4 (MANE Select); the canonical splice donor site of the intron after coding-DNA position 468, G replaced by A.
Molecular consequence: splice donor variant.
Genome position (GRCh38, 1-based): chr7:92,128,879, C>T on the plus strand (G>A on the coding strand, the complement: CYP51A1 is on the minus strand). VCF-style: chr7-92128879-C-T. GRCh37 (hg19) VCF-style: chr7-91758193-C-T.
Other names: c.153+1G>A (NM_001146152.2).
Identifiers: ClinVar variation 2626923 (VCV002626923.1), dbSNP rs1428148004, ClinGen allele CA368178977.

ClinVar aggregate classification (germline): Uncertain significance (1 of 4 stars; one submission).

Allele frequency attached by ClinVar (database versions not stated): TOPMed below 0.00001; gnomAD 0.00001; gnomAD exomes 0.00001.
gnomAD v4.1: 19 of 1,608,522 alleles (0.0012%); highest among the groups gnomAD compares: Non-Finnish European, 0.0016%; no homozygotes.

Submission:

Greenwood Genetic Center Diagnostic Laboratories, Greenwood Genetic Center
Classification: Uncertain significance. Last evaluated: 2023-09-06. Review status: criteria provided, single submitter. Criteria: ACMG Guidelines, 2015. Collection method: clinical testing. Allele origin: germline. Affected: yes.
Comment: PM2, PP3